The following is an entry in ClinVar:

ClinVar aggregate classification (germline): Uncertain significance (1 of 4 stars; one submission).

Conditions:
Cardiovascular phenotype. Identifiers: MedGen CN230736.

Submission:

Ambry Genetics
Classification: Uncertain significance for Cardiovascular phenotype. Last evaluated: 2026-07-06. Review status: criteria provided, single submitter. Criteria: Ambry Variant Classification Scheme 2023. Collection method: clinical testing. Allele origin: germline.
Comment: The p.N665D variant (also known as c.1993A>G), located in coding exon 14 of the APOB gene, results from an A to G substitution at nucleotide position 1993. The asparagine at codon 665 is replaced by aspartic acid, an amino acid with highly similar properties. This amino acid position is conserved. In addition, this alteration is predicted to be tolerated by in silico analysis. Based on the available evidence, the clinical significance of this variant remains unclear.

NM_000384.3(APOB):c.1993A>G (p.Asn665Asp)

Gene: APOB (apolipoprotein B; minus strand). Cytogenetic location: 2p24.1.
Variant type: single nucleotide variant.
Coding change: c.1993A>G on transcript NM_000384.3 (MANE Select); coding-DNA position 1993, A replaced by G.
Protein change: p.Asn665Asp; replaces asparagine 665 with aspartic acid.
Molecular consequence: missense variant.
Genome position (GRCh38, 1-based): chr2:21,027,902, T>C on the plus strand (A>G on the coding strand, the complement: APOB is on the minus strand). VCF-style: chr2-21027902-T-C. GRCh37 (hg19) VCF-style: chr2-21250774-T-C.
Other names: short protein forms N665D.
Identifiers: ClinVar variation 5027530 (VCV005027530.1).